The following is an entry in ClinVar:

ClinVar aggregate classification (germline): Uncertain significance (0 of 4 stars; one submission).

Conditions:
Polycystic kidney disease. Also called: Polycystic kidney dysplasia; Kidney, Polycystic. Identifiers: MedGen C0022680, MeSH D007690, MONDO:0020642, HP:0000113.

Allele frequency attached by ClinVar (database versions not stated): ExAC 0.00001; TOPMed 0.00002.
gnomAD v4.1: 8 of 1,596,110 alleles (0.0005%); highest among the groups gnomAD compares: African/African-American, 0.0053%; no homozygotes.

Submission:

Department of Pathology and Laboratory Medicine, Sinai Health System
Classification: Uncertain significance for Polycystic Kidney disease. Review status: no assertion criteria provided. Collection method: clinical testing. Allele origin: unknown. Affected: yes. Study: The Canadian Open Genetics Repository (COGR).
Comment: The PKD1 p.Leu2615= variant was not identified in the literature nor was it identified in the ClinVar, LOVD 3.0, ADPKD Mutation Database, or PKD1-LOVD databases. The variant was identified in dbSNP (ID: rs771676768). The variant was identified in control databases in 3 of 259410 chromosomes at a frequency of 0.00001 (Genome Aggregation Database Feb 27, 2017). The variant was observed in the following populations: African in 1 of 22470 chromosomes (freq: 0.00005), Latino in 1 of 34206 chromosomes (freq: 0.00003), and East Asian in 1 of 18536 chromosomes (freq: 0.00005), but was not observed in the Other, European, Ashkenazi Jewish, Finnish, or South Asian populations. The p.Leu2615= variant is not expected to have clinical significance because it does not result in a change of amino acid and is not located in a known consensus splice site. In addition, in silico or computational prediction software programs (SpliceSiteFinder, MaxEntScan, NNSPLICE, GeneSplicer) do not predict a difference in splicing, although the c.7843C nucleotide is highly conserved. In summary, based on the above information, the clinical significance of this variant cannot be determined with certainty at this time. This variant is classified as a variant of uncertain significance.

NM_001009944.3(PKD1):c.7843C>T (p.Leu2615=)

Gene: PKD1 (polycystin 1, transient receptor potential channel interacting; minus strand). Cytogenetic location: 16p13.3.
Variant type: single nucleotide variant.
Coding change: c.7843C>T on transcript NM_001009944.3 (MANE Select); coding-DNA position 7843, C replaced by T.
Protein change: p.Leu2615=; no amino-acid change (leucine 2615 retained).
Molecular consequence: synonymous variant.
Genome position (GRCh38, 1-based): chr16:2,105,885, G>A on the plus strand (C>T on the coding strand, the complement: PKD1 is on the minus strand). VCF-style: chr16-2105885-G-A. GRCh37 (hg19) VCF-style: chr16-2155886-G-A.
Other names: c.7843C>T, p.Leu2615= (NM_000296.4).
Identifiers: ClinVar variation 997235 (VCV000997235.1), dbSNP rs771676768, ClinGen allele CA7830886.
Genomic context (GRCh38, chr16:2,105,885, plus strand): 5'-CATGCAGCAGATGTGACGTCCCCTCCCAGGCTGCACTCACCTCGTTCAGCACGGTGACCA[G>A]GGCCAACGAGTACTCGATGACGTGCTGGGGATCGGCCTGCCGCAGCAGCCCTGGGAGCAC-3'
Protein context (NP_001009944.3, residues 2605-2625): PQHVIEYSLA[Leu2615=]VTVLNEYERA